The following is an entry in ClinVar:

NM_198252.3(GSN):c.-9-2014G>A

Gene: GSN (gelsolin; plus strand). Cytogenetic location: 9q33.2.
Variant type: single nucleotide variant.
Coding change: c.-9-2014G>A on transcript NM_198252.3 (MANE Select); 2014 bases into the intron before 9 bases upstream of the start codon, G replaced by A.
Molecular consequence: intron variant. On other transcripts: missense variant (1).
Genome position (GRCh38, 1-based): chr9:121,299,949, G>A. VCF-style: chr9-121299949-G-A. GRCh37 (hg19) VCF-style: chr9-124062227-G-A.
Other names: c.88G>A, p.Ala30Thr (NM_000177.5); c.-9-2014G>A (NM_001353054.1, NM_001353053.1, NM_001353060.2 and 5 more transcripts); c.-47-107G>A (NM_001353064.2, NM_001353066.2, NM_001353072.2 and 8 more transcripts); c.-1-2022G>A (NM_001353058.2, NM_001353059.2, NM_001353056.2 and 1 more transcripts); c.-38-116G>A (NM_001353073.2, NM_001353065.2, NM_001353068.2 and 2 more transcripts); c.100-2014G>A (NM_001127663.2); c.-32-122G>A (NM_001353070.2); c.-48-1975G>A (NM_001353055.2); and 3 more; short protein forms A30T.
Identifiers: ClinVar variation 3687156 (VCV003687156.2).
Genomic context (GRCh38, chr9:121,299,949, plus strand): 5'-CTGCTTTGCGCGCTGTCCCTGGCGCTGTGCGCGCTGTCGCTGCCCGTCCGCGCGGCCACT[G>A]CGTCGCGGGGGGCGTCCCAGGCGGGGGCGCCCCAGGGGCGGGTGCCCGAGGCGCGGGTGA-3'

ClinVar aggregate classification (germline): Uncertain significance (1 of 4 stars; one submission).

gnomAD v4.1: 1 of 1,266,746 alleles (0.000079%); highest among the groups gnomAD compares: Non-Finnish European, 0.0001%; no homozygotes.

Submission:

Labcorp Genetics (formerly Invitae), Labcorp
Classification: Uncertain significance. Last evaluated: 2024-08-06. Review status: criteria provided, single submitter. Criteria: Invitae Variant Classification Sherloc (09022015). Collection method: clinical testing. Allele origin: germline.
Comment: This sequence change replaces alanine, which is neutral and non-polar, with threonine, which is neutral and polar, at codon 30 of the GSN protein (p.Ala30Thr). This variant is not present in population databases (gnomAD no frequency). This variant has not been reported in the literature in individuals affected with GSN-related conditions. An algorithm developed to predict the effect of missense changes on protein structure and function outputs the following: PolyPhen-2: "Benign". The threonine amino acid residue is found in multiple mammalian species, which suggests that this missense change does not adversely affect protein function. In summary, the available evidence is currently insufficient to determine the role of this variant in disease. Therefore, it has been classified as a Variant of Uncertain Significance.